The following is an entry in ClinVar:

ClinVar aggregate classification (germline): Likely benign (1 of 4 stars; one submission).

Allele frequency attached by ClinVar (database versions not stated): 1000 Genomes Project 0.00260; 1000 Genomes Project 30x 0.00328; TOPMed 0.00841; gnomAD 0.00917 and 0.00956.

Submission:

GeneDx
Classification: Likely benign. Last evaluated: 2018-06-14. Review status: criteria provided, single submitter. Criteria: GeneDx Variant Classification (06012015). Collection method: clinical testing. Allele origin: germline. Affected: yes.
Comment: This variant is considered likely benign or benign based on one or more of the following criteria: it is a conservative change, it occurs at a poorly conserved position in the protein, it is predicted to be benign by multiple in silico algorithms, and/or has population frequency not consistent with disease.

NM_005045.4(RELN):c.8951-268_8951-267del

Genes: RELN (reelin; minus strand), SLC26A5-AS1 (SLC26A5 antisense RNA 1; plus strand). Cytogenetic location: 7q22.1.
Variant type: Deletion.
Coding change: c.8951-268_8951-267del on transcript NM_005045.4 (MANE Select); 268 bases into the intron before coding-DNA position 8951 through 267 bases into the intron before coding-DNA position 8951, 2 bases deleted (TA; older notation c.8951-268_8951-267delTA).
Molecular consequence: intron variant.
Genome position (GRCh38, 1-based): chr7:103,497,035-103,497,036, TA deleted on the plus strand (TA on the coding strand, the reverse complement: RELN is on the minus strand). VCF-style (leftmost placement, unchanged base first): chr7-103497034-TTA-T. GRCh37 (hg19) VCF-style: chr7-103137481-TTA-T.
Other names: c.8951-268_8951-267del (NM_173054.3).
Identifiers: ClinVar variation 672389 (VCV000672389.1), dbSNP rs201151546, ClinGen allele CA163909537.